The following is an entry in ClinVar:

NM_033198.4(PIGS):c.1005G>A (p.Pro335=)

Gene: PIGS (phosphatidylinositol glycan anchor biosynthesis class S; minus strand). Cytogenetic location: 17q11.2.
Variant type: single nucleotide variant.
Coding change: c.1005G>A on transcript NM_033198.4 (MANE Select); coding-DNA position 1005, G replaced by A.
Protein change: p.Pro335=; no amino-acid change (proline 335 retained).
Molecular consequence: synonymous variant.
Genome position (GRCh38, 1-based): chr17:28,556,902, C>T on the plus strand (G>A on the coding strand, the complement: PIGS is on the minus strand). VCF-style: chr17-28556902-C-T. GRCh37 (hg19) VCF-style: chr17-26883920-C-T.
Identifiers: ClinVar variation 2647584 (VCV002647584.24), dbSNP rs760728308, ClinGen allele CA8460126.
Genomic context (GRCh38, chr17:28,556,902, plus strand): 5'-GCGGGGACTATGGAAGGCATTGGTGGCCACTGGAGCGCCATCCTTGTCCTGAATGTACAG[C>T]GGTGAGTGTGCAAGCTCAGGCACGTAGAGTAGAAAGTTGAGCACAGGGTACAAGGAGGCA-3'
Protein context (NP_149975.1, residues 325-345): LLYVPELAHS[Pro335=]LYIQDKDGAP

ClinVar aggregate classification (germline): Likely benign (1 of 4 stars; one submission).

Allele frequency attached by ClinVar (database versions not stated): gnomAD exomes 0.00001; TOPMed 0.00001; ExAC 0.00002.

Submission:

CeGaT Center for Human Genetics Tuebingen
Classification: Likely benign. Last evaluated: 2023-02-01. Review status: criteria provided, single submitter. Criteria: CeGaT Center For Human Genetics Tuebingen Variant Classification Criteria Version 2. Collection method: clinical testing. Allele origin: germline. Affected: yes. Observed: 1 variant allele.
Comment: PIGS: BP4, BP7